The following is an entry in ClinVar:

NM_001298.3(CNGA3):c.1573G>A (p.Gly525Ser)

Gene: CNGA3 (cyclic nucleotide gated channel subunit alpha 3; plus strand). Cytogenetic location: 2q11.2.
Variant type: single nucleotide variant.
Coding change: c.1573G>A on transcript NM_001298.3 (MANE Select); coding-DNA position 1573, G replaced by A.
Protein change: p.Gly525Ser; replaces glycine 525 with serine.
Molecular consequence: missense variant.
Genome position (GRCh38, 1-based): chr2:98,396,743, G>A. VCF-style: chr2-98396743-G-A. GRCh37 (hg19) VCF-style: chr2-99013206-G-A.
Other names: c.1519G>A, p.Gly507Ser (NM_001079878.2); short protein forms G525S, G507S.
Identifiers: ClinVar variation 191122 (VCV000191122.3), dbSNP rs786205532, ClinGen allele CA236065.
Genomic context (GRCh38, chr2:98,396,743, plus strand): 5'-CCTGGGGATTATATCTGCAAGAAGGGAGATATTGGGAAGGAGATGTACATCATCAACGAG[G>A]GCAAGCTGGCCGTGGTGGCTGATGATGGGGTCACCCAGTTCGTGGTCCTCAGCGATGGCA-3'
Protein context (NP_001289.1, residues 515-535): IGKEMYIINE[Gly525Ser]KLAVVADDGV

ClinVar aggregate classification (germline): Pathogenic. Review status: criteria provided, single submitter (1 of 4 stars). 2 submissions from 1 submitter: Pathogenic (1). 1 of the submissions does not count toward it. Last evaluated 2024-03-14.

Conditions:
Achromatopsia 2 (ACHM2). Also called: COLORBLINDNESS, TOTAL; ROD MONOCHROMACY 2; ROD MONOCHROMATISM 2. Identifiers: Orphanet 49382, MedGen C1857618, MONDO:0009003, OMIM 216900.

Submissions (2):

Genomic Medicine Center of Excellence, King Faisal Specialist Hospital and Research Centre
Classification: Pathogenic for Achromatopsia 2. Last evaluated: 2024-03-14. Review status: criteria provided, single submitter. Criteria: ACMG Guidelines, 2015. Collection method: research. Allele origin: germline.

Genomic Medicine Center of Excellence, King Faisal Specialist Hospital and Research Centre
Classification: Likely pathogenic. Review status: flagged submission. Criteria: ACMG Guidelines, 2015. Collection method: research. Allele origin: germline. Affected: yes. Not counted in ClinVar's aggregate classification.
ClinVar note: Reason: This record appears to be redundant with a more recent record from the same submitter.
ClinVar note: Notes: SCV000221499 appears to be redundant with SCV004801179.